The following is an entry in ClinVar:

ClinVar aggregate classification (germline): Uncertain significance (1 of 4 stars; one submission).

gnomAD v4.1: 4 of 1,613,748 alleles (0.00025%); highest among the groups gnomAD compares: Middle Eastern, 0.017%; no homozygotes.

Submission:

Labcorp Genetics (formerly Invitae), Labcorp
Classification: Uncertain significance. Last evaluated: 2025-11-22. Review status: criteria provided, single submitter. Criteria: Invitae Variant Classification Sherloc (09022015). Collection method: clinical testing. Allele origin: germline.
Comment: This sequence change replaces glycine, which is neutral and non-polar, with arginine, which is basic and polar, at codon 1800 of the SORL1 protein (p.Gly1800Arg). This variant is present in population databases (rs753033868, gnomAD 0.01%). This variant has not been reported in the literature in individuals affected with SORL1-related conditions. An algorithm developed to predict the effect of missense changes on protein structure and function (PolyPhen-2) suggests that this variant is likely to be tolerated. In summary, the available evidence is currently insufficient to determine the role of this variant in disease. Therefore, it has been classified as a Variant of Uncertain Significance.

NM_003105.6(SORL1):c.5398G>C (p.Gly1800Arg)

Gene: SORL1 (sortilin related receptor 1; plus strand). Cytogenetic location: 11q24.1.
Variant type: single nucleotide variant.
Coding change: c.5398G>C on transcript NM_003105.6 (MANE Select); coding-DNA position 5398, G replaced by C.
Protein change: p.Gly1800Arg; replaces glycine 1800 with arginine.
Molecular consequence: missense variant.
Genome position (GRCh38, 1-based): chr11:121,612,811, G>C. VCF-style: chr11-121612811-G-C. GRCh37 (hg19) VCF-style: chr11-121483520-G-C.
Other names: short protein forms G1800R.
Identifiers: ClinVar variation 4781462 (VCV004781462.1).
Genomic context (GRCh38, chr11:121,612,811, plus strand): 5'-GTGAACCTTTTCTGGGCATTTGACACCCACAAGCAAGAGAGGAGAACTTTGAACTTCCGA[G>C]GAAGCATATTGTCACACAAAGGTAACACTTTGGTGCTGGTCAGTGTGTGTGCAGGAAGGG-3'
Protein context (NP_003096.2, residues 1790-1810): KQERRTLNFR[Gly1800Arg]SILSHKVGNL